The following is an entry in ClinVar:

ClinVar aggregate classification (germline): Likely pathogenic (1 of 4 stars; one submission).

Conditions:
Citrullinemia. Identifiers: Orphanet 187, MedGen C0175683, MONDO:0015991.

Submission:

Labcorp Genetics (formerly Invitae), Labcorp
Classification: Likely pathogenic for Citrullinemia. Last evaluated: 2019-10-12. Review status: criteria provided, single submitter. Criteria: Invitae Variant Classification Sherloc (09022015). Collection method: clinical testing. Allele origin: germline.
Comment: In summary, the currently available evidence indicates that the variant is pathogenic, but additional data are needed to prove that conclusively. Therefore, this variant has been classified as Likely Pathogenic. This variant disrupts the p.Gly390 amino acid residue in ASS1. Other variant(s) that disrupt this residue have been determined to be pathogenic (PMID: 12815590, 11708871, 18473344, 19006241, 19358837, 23430935). This suggests that this residue is clinically significant, and that variants that disrupt this residue are likely to be disease-causing. This variant has not been reported in the literature in individuals with ASS1-related conditions. This variant is not present in population databases (ExAC no frequency). This sequence change results in a frameshift in the ASS1 gene (p.Thr386Argfs*79). While this is not anticipated to result in nonsense mediated decay, it is expected to disrupt the last 27 amino acids of the ASS1 protein and extend the protein by an additional 52 amino acids.

Literature cited by the submitters: PubMed 12815590; PubMed 11708871; PubMed 18473344; PubMed 19006241; PubMed 19358837; PubMed 23430935.

NM_054012.4(ASS1):c.1157_1158del (p.Thr386fs)

Gene: ASS1 (argininosuccinate synthase 1; plus strand). Cytogenetic location: 9q34.11.
Variant type: Deletion.
Coding change: c.1157_1158del on transcript NM_054012.4 (MANE Select); coding-DNA positions 1157 to 1158, 2 bases deleted (CT; older notation c.1157_1158delCT).
Protein change: p.Thr386fs; shifts the reading frame from threonine 386.
Molecular consequence: frameshift variant.
Genome position (GRCh38, 1-based): chr9:130,499,534-130,499,535, CT deleted. VCF-style (leftmost placement, unchanged base first): chr9-130499533-ACT-A. GRCh37 (hg19) VCF-style: chr9-133374920-ACT-A.
Other names: c.1157_1158del, p.Thr386fs (NM_000050.4); short protein forms T386fs.
Identifiers: ClinVar variation 965231 (VCV000965231.10), dbSNP rs1846687897, ClinGen allele CA1139661258.